The following is an entry in ClinVar:

NM_015656.2(KIF26A):c.3402C>T (p.Ser1134=)

Gene: KIF26A (kinesin family member 26A; plus strand). Cytogenetic location: 14q32.33.
Variant type: single nucleotide variant.
Coding change: c.3402C>T on transcript NM_015656.2 (MANE Select); coding-DNA position 3402, C replaced by T.
Protein change: p.Ser1134=; no amino-acid change (serine 1134 retained).
Molecular consequence: synonymous variant.
Genome position (GRCh38, 1-based): chr14:104,176,190, C>T. VCF-style: chr14-104176190-C-T. GRCh37 (hg19) VCF-style: chr14-104642527-C-T.
Identifiers: ClinVar variation 2644607 (VCV002644607.24), dbSNP rs537963681, ClinGen allele CA7371010.

ClinVar aggregate classification (germline): Likely benign (1 of 4 stars; one submission).

Allele frequency attached by ClinVar (database versions not stated): gnomAD exomes 0.00008; gnomAD 0.00011; TOPMed 0.00012; ExAC 0.00032; 1000 Genomes Project 0.00060; 1000 Genomes Project 30x 0.00062.
gnomAD v4.1: 136 of 1,598,956 alleles (0.0085%); highest among the groups gnomAD compares: East Asian, 0.28%; 1 homozygote.

Submission:

CeGaT Center for Human Genetics Tuebingen
Classification: Likely benign. Last evaluated: 2022-11-01. Review status: criteria provided, single submitter. Criteria: CeGaT Center For Human Genetics Tuebingen Variant Classification Criteria Version 2. Collection method: clinical testing. Allele origin: germline. Affected: yes. Observed: 1 variant allele.
Comment: KIF26A: BP4, BP7